The following is an entry in ClinVar:

ClinVar aggregate classification (germline): Likely benign (0 of 4 stars; one submission).

Conditions:
MUC16-related disorder. Also called: MUC16-related condition.

Submission:

PreventionGenetics, part of Exact Sciences
Classification: Likely benign for MUC16-related condition. Last evaluated: 2019-10-17. Review status: no assertion criteria provided. Collection method: clinical testing. Allele origin: germline.
Comment: This variant is classified as likely benign based on ACMG/AMP sequence variant interpretation guidelines (Richards et al. 2015 PMID: 25741868, with internal and published modifications).

NM_001401501.2(MUC16):c.37767A>T (p.Ser12589=)

Gene: MUC16 (mucin 16, cell surface associated; minus strand). Cytogenetic location: 19p13.2.
Variant type: single nucleotide variant.
Coding change: c.37767A>T on transcript NM_001401501.2 (MANE Select); coding-DNA position 37767, A replaced by T.
Protein change: p.Ser12589=; no amino-acid change (serine 12589 retained).
Molecular consequence: synonymous variant.
Genome position (GRCh38, 1-based): chr19:8,908,630, T>A on the plus strand (A>T on the coding strand, the complement: MUC16 is on the minus strand). VCF-style: chr19-8908630-T-A. GRCh37 (hg19) VCF-style: chr19-9019306-T-A.
Other names: c.38193A>T, p.Ser12731= (NM_001414686.1); c.37647A>T, p.Ser12549= (NM_001414687.1); c.37581A>T, p.Ser12527= (NM_024690.2).
Identifiers: ClinVar variation 3055378 (VCV003055378.2), dbSNP rs796820920, ClinGen allele CA305027529.